The following is an entry in ClinVar:

NM_001379500.1(COL18A1):c.107-12213A>C

Gene: COL18A1 (collagen type XVIII alpha 1 chain; plus strand). Cytogenetic location: 21q22.3.
Variant type: single nucleotide variant.
Coding change: c.107-12213A>C on transcript NM_001379500.1 (MANE Select); 12213 bases into the intron before coding-DNA position 107, A replaced by C.
Molecular consequence: intron variant. On other transcripts: missense variant (2).
Genome position (GRCh38, 1-based): chr21:45,456,029, A>C. VCF-style: chr21-45456029-A-C. GRCh37 (hg19) VCF-style: chr21-46875943-A-C.
Other names: c.499A>C, p.Thr167Pro (NM_030582.4, NM_130444.3); short protein forms T167P.
Identifiers: ClinVar variation 2131464 (VCV002131464.4), dbSNP rs766966736, ClinGen allele CA410506241.

ClinVar aggregate classification (germline): Uncertain significance (1 of 4 stars; one submission).

Submission:

Labcorp Genetics (formerly Invitae), Labcorp
Classification: Uncertain significance. Last evaluated: 2023-10-13. Review status: criteria provided, single submitter. Criteria: Invitae Variant Classification Sherloc (09022015). Collection method: clinical testing. Allele origin: germline.
Comment: This sequence change replaces threonine, which is neutral and polar, with proline, which is neutral and non-polar, at codon 167 of the COL18A1 protein (p.Thr167Pro). This variant is not present in population databases (gnomAD no frequency). This variant has not been reported in the literature in individuals affected with COL18A1-related conditions. ClinVar contains an entry for this variant (Variation ID: 2131464). Experimental studies and prediction algorithms are not available or were not evaluated, and the functional significance of this variant is currently unknown. Algorithms developed to predict the effect of sequence changes on RNA splicing suggest that this variant is not likely to affect RNA splicing. In summary, the available evidence is currently insufficient to determine the role of this variant in disease. Therefore, it has been classified as a Variant of Uncertain Significance.